The following is an entry in ClinVar:

NM_031308.4(EPPK1):c.2246T>G (p.Phe749Cys)

Gene: EPPK1 (epiplakin 1; minus strand). Cytogenetic location: 8q24.3.
Variant type: single nucleotide variant.
Coding change: c.2246T>G on transcript NM_031308.4 (MANE Select); coding-DNA position 2246, T replaced by G.
Protein change: p.Phe749Cys; replaces phenylalanine 749 with cysteine.
Molecular consequence: missense variant.
Genome position (GRCh38, 1-based): chr8:143,871,008, A>C on the plus strand (T>G on the coding strand, the complement: EPPK1 is on the minus strand). VCF-style: chr8-143871008-A-C. GRCh37 (hg19) VCF-style: chr8-144945176-A-C.
Other names: short protein forms F749C.
Identifiers: ClinVar variation 3036618 (VCV003036618.2), dbSNP rs570102962, ClinGen allele CA4923127.

ClinVar aggregate classification (germline): Likely benign (0 of 4 stars; one submission).

Conditions:
EPPK1-related disorder. Also called: EPPK1-related condition.

Allele frequency attached by ClinVar (database versions not stated): TOPMed 0.00005; gnomAD 0.00009; gnomAD exomes 0.00015; 1000 Genomes Project 30x 0.00016; 1000 Genomes Project 0.00020; ExAC 0.00032.
gnomAD v4.1: 236 of 1,613,268 alleles (0.015%); highest among the groups gnomAD compares: South Asian, 0.19%; 2 homozygotes.

Submission:

PreventionGenetics, part of Exact Sciences
Classification: Likely benign for EPPK1-related condition. Last evaluated: 2022-08-20. Review status: no assertion criteria provided. Collection method: clinical testing. Allele origin: germline.
Comment: This variant is classified as likely benign based on ACMG/AMP sequence variant interpretation guidelines (Richards et al. 2015 PMID: 25741868, with internal and published modifications).